The following is an entry in ClinVar:

NC_000023.10:g.(?_2793831)_(2799254_?)del

Gene: GYG2 (glycogenin 2; plus strand). Cytogenetic location: Xp22.33.
Variant type: Deletion.
Identifiers: ClinVar variation 3246585 (VCV003246585.1).

ClinVar aggregate classification (germline): Uncertain significance (1 of 4 stars; one submission).

Submission:

Labcorp Genetics (formerly Invitae), Labcorp
Classification: Uncertain significance. Last evaluated: 2023-11-22. Review status: criteria provided, single submitter. Criteria: Invitae Variant Classification Sherloc (09022015). Collection method: clinical testing. Allele origin: unknown.
Comment: This variant is a gross deletion of the genomic region encompassing exon(s) 10-12 of the GYG2 gene, which includes the termination codon. This deletion extends beyond the assayed region for this gene and therefore may encompass additional genes. While this deletion is not anticipated to lead to nonsense mediated decay, it is expected to alter mRNA translation or result in a truncated protein product. This variant has not been reported in the literature in individuals affected with GYG2-related conditions. In summary, the available evidence is currently insufficient to determine the role of this variant in disease. Therefore, it has been classified as a Variant of Uncertain Significance.